The following is an entry in ClinVar:

NM_000336.3(SCNN1B):c.1467-14G>A

Gene: SCNN1B (sodium channel epithelial 1 subunit beta; plus strand). Cytogenetic location: 16p12.2.
Variant type: single nucleotide variant.
Coding change: c.1467-14G>A on transcript NM_000336.3 (MANE Select); 14 bases into the intron before coding-DNA position 1467, G replaced by A.
Molecular consequence: intron variant.
Genome position (GRCh38, 1-based): chr16:23,380,080, G>A. VCF-style: chr16-23380080-G-A. GRCh37 (hg19) VCF-style: chr16-23391401-G-A.
Identifiers: ClinVar variation 165170 (VCV000165170.23), dbSNP rs34618783, ClinGen allele CA177883.

ClinVar aggregate classification (germline): Benign/Likely benign. Review status: criteria provided, multiple submitters, no conflicts (2 of 4 stars). 11 submissions from 9 submitters: Benign (8); Likely benign (1). 2 of the submissions do not count toward it. Last evaluated 2026-02-01.

Conditions:
Liddle syndrome 1 (LIDLS1). Also called: PSEUDOALDOSTERONISM. Identifiers: Orphanet 526, MedGen CN031472, MONDO:0020607, OMIM 177200.
Bronchiectasis with or without elevated sweat chloride 1 (BESC1). Also called: Cystic Fibrosis-Like Syndrome. Identifiers: Orphanet 60033, MedGen C2749757, MONDO:0008887, OMIM 211400.
Pseudohypoaldosteronism, type IB1, autosomal recessive. Also called: Pseudohypoaldosteronism, Type I, Autosomal Recessive; Pseudohypoaldosteronism, Type I, Recessive; PHA I, AUTOSOMAL RECESSIVE; Autosomal recessive pseudohypoaldosteronism type 1. Identifiers: Orphanet 171876, Orphanet 756, MedGen C5774176, MONDO:0009917, OMIM 264350.

Allele frequency attached by ClinVar (database versions not stated): ESP Exome Variant Server 0.01978; gnomAD 0.02274 and 0.02490; TOPMed 0.02409; 1000 Genomes Project 30x 0.03810; 1000 Genomes Project 0.04133.
gnomAD v4.1: 45,004 of 1,610,206 alleles (2.8%); highest among the groups gnomAD compares: South Asian, 7.2%; 914 homozygotes.

Submissions (11):

Labcorp Genetics (formerly Invitae), Labcorp
Classification: Benign. Last evaluated: 2026-02-01. Review status: criteria provided, single submitter. Criteria: Invitae Variant Classification Sherloc (09022015). Collection method: clinical testing. Allele origin: germline.

Blueprint Genetics
Classification: Likely benign. Last evaluated: 2024-11-26. Review status: criteria provided, single submitter. Criteria: ACMG Guidelines, 2015. Collection method: clinical testing. Allele origin: germline.

GeneDx
Classification: Benign. Last evaluated: 2020-01-28. Review status: criteria provided, single submitter. Criteria: GeneDx Variant Classification Process June 2021. Collection method: clinical testing. Allele origin: germline. Affected: yes.

Illumina Laboratory Services, Illumina
Classification: Benign for Pseudohypoaldosteronism, type IB1, autosomal recessive. Last evaluated: 2018-01-12. Review status: criteria provided, single submitter. Criteria: ICSL Variant Classification Criteria 13 December 2019. Collection method: clinical testing. Allele origin: germline.
Comment: This variant was observed in the ICSL laboratory as part of a predisposition screen in an ostensibly healthy population. It had not been previously curated by ICSL or reported in the Human Gene Mutation Database (HGMD: prior to June 1st, 2018), and was therefore a candidate for classification through an automated scoring system. Utilizing variant allele frequency, disease prevalence and penetrance estimates, and inheritance mode, an automated score was calculated to assess if this variant is too frequent to cause the disease. Based on the score and internal cut-off values, a variant classified as benign is not then subjected to further curation. The score for this variant resulted in a classification of benign for this disease.

Illumina Laboratory Services, Illumina
Classification: Benign for Bronchiectasis with or without elevated sweat chloride 1. Last evaluated: 2018-01-12. Review status: criteria provided, single submitter. Criteria: ICSL Variant Classification Criteria 13 December 2019. Collection method: clinical testing. Allele origin: germline.
Comment: the same text as in the submission from Illumina Laboratory Services, Illumina above.

Illumina Laboratory Services, Illumina
Classification: Benign for Liddle syndrome 1. Last evaluated: 2018-01-12. Review status: criteria provided, single submitter. Criteria: ICSL Variant Classification Criteria 13 December 2019. Collection method: clinical testing. Allele origin: germline.
Comment: the same text as in the submission from Illumina Laboratory Services, Illumina above.

Laboratory for Molecular Medicine, Mass General Brigham Personalized Medicine
Classification: Benign. Last evaluated: 2013-02-21. Review status: criteria provided, single submitter. Criteria: LMM Criteria. Collection method: clinical testing. Allele origin: germline. Observed: 9 variant alleles.
Comment: 1467-14G>A in intron 11 of SCNN1B: This variant is not expected to have clinical significance because it has been identified in 2.5% (214/8600) of European Amer ican chromosomes from a broad population by the NHLBI Exome Sequencing Project (dbSNP rs34618783).

Breakthrough Genomics
Classification: Benign. Review status: criteria provided, single submitter. Criteria: ACMG Guidelines, 2015. Collection method: not provided. Allele origin: germline. Inheritance: Autosomal dominant inheritance. Affected: yes.

PreventionGenetics, part of Exact Sciences
Classification: Benign. Review status: criteria provided, single submitter. Criteria: ACMG Guidelines, 2015. Collection method: clinical testing. Allele origin: germline.

Genome Diagnostics Laboratory, University Medical Center Utrecht
Classification: Benign. Review status: no assertion criteria provided. Collection method: clinical testing. Allele origin: germline. Affected: yes. Study: VKGL Data-share Consensus. Not counted in ClinVar's aggregate classification.

Joint Genome Diagnostic Labs from Nijmegen and Maastricht, Radboudumc and MUMC+
Classification: Benign. Review status: no assertion criteria provided. Collection method: clinical testing. Allele origin: germline. Affected: yes. Study: VKGL Data-share Consensus. Not counted in ClinVar's aggregate classification.